The following is an entry in ClinVar:

ClinVar aggregate classification (germline): Uncertain significance (1 of 4 stars; one submission).

Conditions:
EGFR-related lung cancer (EGFR). Identifiers: MedGen CN130014.

Submission:

Labcorp Genetics (formerly Invitae), Labcorp
Classification: Uncertain significance for EGFR-related lung cancer. Last evaluated: 2022-10-12. Review status: criteria provided, single submitter. Criteria: Invitae Variant Classification Sherloc (09022015). Collection method: clinical testing. Allele origin: germline.
Comment: In summary, the available evidence is currently insufficient to determine the role of this variant in disease. Therefore, it has been classified as a Variant of Uncertain Significance. Advanced modeling of protein sequence and biophysical properties (such as structural, functional, and spatial information, amino acid conservation, physicochemical variation, residue mobility, and thermodynamic stability) performed at Invitae indicates that this missense variant is not expected to disrupt EGFR protein function. This variant has not been reported in the literature in individuals affected with EGFR-related conditions. This variant is not present in population databases (gnomAD no frequency). This sequence change replaces glutamine, which is neutral and polar, with histidine, which is basic and polar, at codon 52 of the EGFR protein (p.Gln52His).

NM_005228.5(EGFR):c.156G>C (p.Gln52His)

Gene: EGFR (epidermal growth factor receptor; plus strand). Cytogenetic location: 7p11.2.
Variant type: single nucleotide variant.
Coding change: c.156G>C on transcript NM_005228.5 (MANE Select); coding-DNA position 156, G replaced by C.
Protein change: p.Gln52His; replaces glutamine 52 with histidine.
Molecular consequence: missense variant. On other transcripts: 5 prime UTR variant (1), intron variant (1).
Genome position (GRCh38, 1-based): chr7:55,142,353, G>C. VCF-style: chr7-55142353-G-C. GRCh37 (hg19) VCF-style: chr7-55210046-G-C.
Other names: c.156G>C, p.Gln52His (NM_001346897.2, NM_001346898.2, NM_001346899.2 and 3 more transcripts); c.-4G>C (NM_001346900.2); c.89-13477G>C (NM_001346941.2); short protein forms Q52H.
Identifiers: ClinVar variation 1721489 (VCV001721489.5), dbSNP rs2128926259, ClinGen allele CA367574528.
Genomic context (GRCh38, chr7:55,142,353, plus strand): 5'-AGGCACGAGTAACAAGCTCACGCAGTTGGGCACTTTTGAAGATCATTTTCTCAGCCTCCA[G>C]AGGATGTTCAATAACTGTGAGGTGGTCCTTGGGAATTTGGAAATTACCTATGTGCAGAGG-3'
Protein context (NP_005219.2, residues 42-62): GTFEDHFLSL[Gln52His]RMFNNCEVVL